The following is an entry in ClinVar:

NM_001378452.1(ITPR1):c.7272+15T>A

Gene: ITPR1 (inositol 1,4,5-trisphosphate receptor type 1; plus strand). Cytogenetic location: 3p26.1.
Variant type: single nucleotide variant.
Coding change: c.7272+15T>A on transcript NM_001378452.1 (MANE Select); 15 bases into the intron after coding-DNA position 7272, T replaced by A.
Molecular consequence: intron variant.
Genome position (GRCh38, 1-based): chr3:4,806,282, T>A. VCF-style: chr3-4806282-T-A. GRCh37 (hg19) VCF-style: chr3-4847966-T-A.
Other names: c.7128+15T>A (NM_001099952.4); c.7227+15T>A (NM_001168272.2); c.7083+15T>A (NM_002222.7).
Identifiers: ClinVar variation 1343555 (VCV001343555.8), dbSNP rs777868994, ClinGen allele CA2232808.
Genomic context (GRCh38, chr3:4,806,282, plus strand): 5'-CTGTGCCATGGGGCTCTTTGTCCATGAATTCTTCTACAGTCTGCTGGTGAGTACCTGGTG[T>A]GGAAATATTTTATGTGTGGGGAAACTAGGAGAGTGTCCTATGTCCTCTCTCTCATCACAG-3'

ClinVar aggregate classification (germline): Likely benign. Review status: criteria provided, multiple submitters, no conflicts (2 of 4 stars). 2 submissions from 2 submitters: Likely benign (2). Last evaluated 2025-06-02.

Allele frequency attached by ClinVar (database versions not stated): ExAC 0.00001; gnomAD exomes 0.00001; gnomAD 0.00003.
gnomAD v4.1: 80 of 1,611,906 alleles (0.005%); highest among the groups gnomAD compares: Non-Finnish European, 0.0068%; no homozygotes.

Submissions (2):

Labcorp Genetics (formerly Invitae), Labcorp
Classification: Likely benign. Last evaluated: 2025-06-02. Review status: criteria provided, single submitter. Criteria: Invitae Variant Classification Sherloc (09022015). Collection method: clinical testing. Allele origin: germline.

Women's Health and Genetics/Laboratory Corporation of America, LabCorp
Classification: Likely benign. Last evaluated: 2025-01-08. Review status: criteria provided, single submitter. Criteria: LabCorp Variant Classification Summary - May 2015. Collection method: clinical testing. Allele origin: germline.
Comment: Variant summary: ITPR1 c.7083+15T>A alters a non-conserved nucleotide located at a position not widely known to affect splicing. Computational tools predict a significant impact on normal splicing: Two predict the variant strengthens a cryptic 5' donor site. One predict the variant creates this site. However, these predictions have yet to be confirmed by functional studies. The variant allele was found at a frequency of 5e-05 in 1611906 control chromosomes (gnomAD v4.1). To our knowledge, no occurrence of c.7083+15T>A in individuals affected with Spinocerebellar Ataxia 29 and no experimental evidence demonstrating its impact on protein function have been reported. ClinVar contains an entry for this variant (Variation ID: 1343555). Based on the evidence outlined above, the variant was classified as likely benign.